The following is an entry in ClinVar:

ClinVar aggregate classification (germline): Uncertain significance (1 of 4 stars; one submission).

Conditions:
Ullrich congenital muscular dystrophy 2 (UCMD2). Identifiers: Orphanet 75840, MedGen C4225314, MONDO:0014654, OMIM 616470.
Bethlem myopathy 2 (BTHLM2). Identifiers: Orphanet 536516, Orphanet 610, MedGen C4225313, MONDO:0034022, OMIM 616471.

gnomAD v4.1: 2 of 1,614,146 alleles (0.00012%); highest among the groups gnomAD compares: South Asian, 0.0011%; no homozygotes.

Submission:

Labcorp Genetics (formerly Invitae), Labcorp
Classification: Uncertain significance for Bethlem myopathy 2; Ullrich congenital muscular dystrophy 2. Last evaluated: 2025-03-13. Review status: criteria provided, single submitter. Criteria: Invitae Variant Classification Sherloc (09022015). Collection method: clinical testing. Allele origin: germline.
Comment: This sequence change replaces histidine, which is basic and polar, with arginine, which is basic and polar, at codon 1990 of the COL12A1 protein (p.His1990Arg). This variant is not present in population databases (gnomAD no frequency). This variant has not been reported in the literature in individuals affected with COL12A1-related conditions. Invitae Evidence Modeling of protein sequence and biophysical properties (such as structural, functional, and spatial information, amino acid conservation, physicochemical variation, residue mobility, and thermodynamic stability) indicates that this missense variant is not expected to disrupt COL12A1 protein function with a negative predictive value of 80%. In summary, the available evidence is currently insufficient to determine the role of this variant in disease. Therefore, it has been classified as a Variant of Uncertain Significance.

NM_004370.6(COL12A1):c.5969A>G (p.His1990Arg)

Gene: COL12A1 (collagen type XII alpha 1 chain; minus strand). Cytogenetic location: 6q13.
Variant type: single nucleotide variant.
Coding change: c.5969A>G on transcript NM_004370.6 (MANE Select); coding-DNA position 5969, A replaced by G.
Protein change: p.His1990Arg; replaces histidine 1990 with arginine.
Molecular consequence: missense variant.
Genome position (GRCh38, 1-based): chr6:75,130,950, T>C on the plus strand (A>G on the coding strand, the complement: COL12A1 is on the minus strand). VCF-style: chr6-75130950-T-C. GRCh37 (hg19) VCF-style: chr6-75840666-T-C.
Other names: c.5969A>G, p.His1990Arg (NM_001424113.1); c.5948A>G, p.His1983Arg (NM_001424114.1); c.5696A>G, p.His1899Arg (NM_001424115.1); c.2477A>G, p.His826Arg (NM_001424116.1, NM_080645.3); short protein forms H1983R, H826R, H1899R, H1990R.
Identifiers: ClinVar variation 4793591 (VCV004793591.1).